The following is an entry in ClinVar:

NM_005144.5(HR):c.974G>A (p.Gly325Asp)

Gene: HR (HR lysine demethylase and nuclear receptor corepressor; minus strand). Cytogenetic location: 8p21.3.
Variant type: single nucleotide variant.
Coding change: c.974G>A on transcript NM_005144.5 (MANE Select); coding-DNA position 974, G replaced by A.
Protein change: p.Gly325Asp; replaces glycine 325 with aspartic acid.
Molecular consequence: missense variant.
Genome position (GRCh38, 1-based): chr8:22,127,468, C>T on the plus strand (G>A on the coding strand, the complement: HR is on the minus strand). VCF-style: chr8-22127468-C-T. GRCh37 (hg19) VCF-style: chr8-21984981-C-T.
Other names: c.974G>A, p.Gly325Asp (NM_018411.4); short protein forms G325D.
Identifiers: ClinVar variation 912233 (VCV000912233.8), dbSNP rs200125747, ClinGen allele CA4662593.

ClinVar aggregate classification (germline): Conflicting classifications of pathogenicity. Review status: criteria provided, conflicting classifications (1 of 4 stars). 3 submissions from 2 submitters: Uncertain significance (2); Likely benign (1). Last evaluated 2023-12-20.

Conditions:
Atrichia with papular lesions (APL). Also called: PAPULAR ATRICHIA. Identifiers: Orphanet 86819, MedGen C1859592, MONDO:0008847, OMIM 209500.
Alopecia universalis congenita (ALUNC). Also called: ATRICHIA, GENERALIZED. Identifiers: Orphanet 701, MedGen C1859877, MONDO:0008757, OMIM 203655.

Allele frequency attached by ClinVar (database versions not stated): ESP Exome Variant Server 0.00008; ExAC 0.00009; 1000 Genomes Project 30x 0.00016; 1000 Genomes Project 0.00020; gnomAD 0.00020; gnomAD exomes 0.00022 and 0.00024; TOPMed 0.00024.
gnomAD v4.1: 383 of 1,611,050 alleles (0.024%); highest among the groups gnomAD compares: South Asian, 0.084%; 2 homozygotes.

Submissions (3):

Labcorp Genetics (formerly Invitae), Labcorp
Classification: Likely benign. Last evaluated: 2023-12-20. Review status: criteria provided, single submitter. Criteria: Invitae Variant Classification Sherloc (09022015). Collection method: clinical testing. Allele origin: germline.

Illumina Laboratory Services, Illumina
Classification: Uncertain significance for Atrichia with papular lesions. Last evaluated: 2017-04-27. Review status: criteria provided, single submitter. Criteria: ICSL Variant Classification Criteria 13 December 2019. Collection method: clinical testing. Allele origin: germline.

Illumina Laboratory Services, Illumina
Classification: Uncertain significance for Alopecia universalis congenita. Last evaluated: 2017-04-27. Review status: criteria provided, single submitter. Criteria: ICSL Variant Classification Criteria 13 December 2019. Collection method: clinical testing. Allele origin: germline.
Comment: This variant was observed as part of a predisposition screen in an ostensibly healthy population. A literature search was performed for the gene, cDNA change, and amino acid change (where applicable). Publications were found based on this search. However, the evidence from the literature, in combination with allele frequency data from public databases where available, was not sufficient to rule this variant in or out of causing disease. Therefore, this variant is classified as a variant of unknown significance.

Literature cited by the submitters: PubMed 22584530 (cited by Illumina Laboratory Services, Illumina).